The following is an entry in ClinVar:

NM_000719.7(CACNA1C):c.3663C>G (p.Phe1221Leu)

Gene: CACNA1C (calcium voltage-gated channel subunit alpha1 C; plus strand). Cytogenetic location: 12p13.33.
Variant type: single nucleotide variant.
Coding change: c.3663C>G on transcript NM_000719.7 (MANE Select); coding-DNA position 3663, C replaced by G.
Protein change: p.Phe1221Leu; replaces phenylalanine 1221 with leucine.
Molecular consequence: missense variant.
Genome position (GRCh38, 1-based): chr12:2,610,645, C>G. VCF-style: chr12-2610645-C-G. GRCh37 (hg19) VCF-style: chr12-2719811-C-G.
Other names: c.3723C>G, p.Phe1241Leu (NM_001129827.2, NM_001129832.2, NM_199460.4); c.3663C>G, p.Phe1221Leu (NM_001129829.2, NM_001129830.3, NM_001129831.2 and 15 more transcripts); c.3654C>G, p.Phe1218Leu (NM_001129844.2); short protein forms F1241L, F1221L, F1218L.
Identifiers: ClinVar variation 1475086 (VCV001475086.6), dbSNP rs369646222, ClinGen allele CA383376754.

ClinVar aggregate classification (germline): Uncertain significance (1 of 4 stars; one submission).

Conditions:
Long QT syndrome (LQTS). Identifiers: MedGen C0023976, MeSH D008133, MONDO:0002442. Disease mechanism: loss of function. Inheritance: Various modes of inheritance.

Submission:

Labcorp Genetics (formerly Invitae), Labcorp
Classification: Uncertain significance for Long QT syndrome. Last evaluated: 2021-08-21. Review status: criteria provided, single submitter. Criteria: Invitae Variant Classification Sherloc (09022015). Collection method: clinical testing. Allele origin: germline.
Comment: This sequence change replaces phenylalanine with leucine at codon 1221 of the CACNA1C protein (p.Phe1221Leu). The phenylalanine residue is highly conserved and there is a small physicochemical difference between phenylalanine and leucine. This variant is not present in population databases (ExAC no frequency). This variant has not been reported in the literature in individuals affected with CACNA1C-related conditions. Algorithms developed to predict the effect of missense changes on protein structure and function are either unavailable or do not agree on the potential impact of this missense change (SIFT: "Deleterious"; PolyPhen-2: "Benign"; Align-GVGD: "Class C0"). In summary, the available evidence is currently insufficient to determine the role of this variant in disease. Therefore, it has been classified as a Variant of Uncertain Significance.